The following is an entry in ClinVar:

NM_003136.4(SRP54):c.650T>C (p.Ile217Thr)

Gene: SRP54 (signal recognition particle 54; plus strand). Cytogenetic location: 14q13.2.
Variant type: single nucleotide variant.
Coding change: c.650T>C on transcript NM_003136.4 (MANE Select); coding-DNA position 650, T replaced by C.
Protein change: p.Ile217Thr; replaces isoleucine 217 with threonine.
Molecular consequence: missense variant.
Genome position (GRCh38, 1-based): chr14:35,013,359, T>C. VCF-style: chr14-35013359-T-C. GRCh37 (hg19) VCF-style: chr14-35482565-T-C.
Other names: c.503T>C, p.Ile168Thr (NM_001146282.2); short protein forms I168T, I217T.
Identifiers: ClinVar variation 1469999 (VCV001469999.6), dbSNP rs760322837, ClinGen allele CA7153658.
Genomic context (GRCh38, chr14:35,013,359, plus strand): 5'-TCAATAAAAATCTTTTCTAAAGTATCTTTTCTATTTAAACTTTCTAGCAACCTGATAACA[T>C]TGTTTATGTGATGGATGCCTCCATTGGGCAGGCTTGTGAAGCCCAGGCTAAGGCTTTTAA-3'
Protein context (NP_003127.1, residues 207-227): QVANAIQPDN[Ile217Thr]VYVMDASIGQ

ClinVar aggregate classification (germline): Uncertain significance (1 of 4 stars; one submission).

Allele frequency attached by ClinVar (database versions not stated): gnomAD exomes below 0.00001; ExAC 0.00001.
gnomAD v4.1: 3 of 1,613,404 alleles (0.00019%); highest among the groups gnomAD compares: Non-Finnish European, 0.00025%; no homozygotes.

Submission:

Labcorp Genetics (formerly Invitae), Labcorp
Classification: Uncertain significance. Last evaluated: 2021-08-22. Review status: criteria provided, single submitter. Criteria: Invitae Variant Classification Sherloc (09022015). Collection method: clinical testing. Allele origin: germline.
Comment: This variant has not been reported in the literature in individuals affected with SRP54-related conditions. This sequence change replaces isoleucine with threonine at codon 217 of the SRP54 protein (p.Ile217Thr). The isoleucine residue is moderately conserved and there is a moderate physicochemical difference between isoleucine and threonine. This variant is present in population databases (rs760322837, ExAC 0.002%). Algorithms developed to predict the effect of missense changes on protein structure and function (SIFT, PolyPhen-2, Align-GVGD) all suggest that this variant is likely to be tolerated. In summary, the available evidence is currently insufficient to determine the role of this variant in disease. Therefore, it has been classified as a Variant of Uncertain Significance.